The following is an entry in ClinVar:

NM_000083.3(CLCN1):c.569G>C (p.Gly190Ala)

Gene: CLCN1 (chloride voltage-gated channel 1; plus strand). Cytogenetic location: 7q34.
Variant type: single nucleotide variant.
Coding change: c.569G>C on transcript NM_000083.3 (MANE Select); coding-DNA position 569, G replaced by C.
Protein change: p.Gly190Ala; replaces glycine 190 with alanine.
Molecular consequence: missense variant. On other transcripts: non-coding transcript variant (1).
Genome position (GRCh38, 1-based): chr7:143,321,721, G>C. VCF-style: chr7-143321721-G-C. GRCh37 (hg19) VCF-style: chr7-143018814-G-C.
Other names: short protein forms G190A.
Identifiers: ClinVar variation 4686657 (VCV004686657.1).
Genomic context (GRCh38, chr7:143,321,721, plus strand): 5'-ATCTCCCTTTTCACCTTCACCTTGACCCTGCACATAATCTTTCAACGCTTTTAGGCTCTG[G>C]AATCCCCGAAATGAAGACAATACTTCGTGGGGTTGTCCTGAAGGAATACCTCACAATGAA-3'
Protein context (NP_000074.3, residues 180-200): HLISPQAVGS[Gly190Ala]IPEMKTILRG

ClinVar aggregate classification (germline): Pathogenic (1 of 4 stars; one submission).

Conditions:
Skeletal muscle channelopathy.

gnomAD v4.1: 60 of 1,614,090 alleles (0.0037%); highest among the groups gnomAD compares: Middle Eastern, 0.016%; no homozygotes.

Submission:

Genetics Laboratory, Great Ormond Street Hospital NHS Foundation Trust, North Thames Genomic Laboratory Hub
Classification: Pathogenic for Skeletal muscle channelopathy. Last evaluated: 2025-11-26. Review status: criteria provided, single submitter. Criteria: ACGS Best Practice Guidelines for Variant Classification in Rare Disease 2024 v1.2. Collection method: clinical testing. Allele origin: germline. Affected: yes.
Comment: PM2_moderate, PP3_supporting, PS3_strong, PM1_moderate, PP1_strong, PM3_very-strong